The following is an entry in ClinVar:

NM_000455.5(STK11):c.67G>A (p.Asp23Asn)

Gene: STK11 (serine/threonine kinase 11; plus strand). Cytogenetic location: 19p13.3.
Variant type: single nucleotide variant.
Coding change: c.67G>A on transcript NM_000455.5 (MANE Select); coding-DNA position 67, G replaced by A.
Protein change: p.Asp23Asn; replaces aspartic acid 23 with asparagine.
Molecular consequence: missense variant.
Genome position (GRCh38, 1-based): chr19:1,206,980, G>A. VCF-style: chr19-1206980-G-A. GRCh37 (hg19) VCF-style: chr19-1206979-G-A.
Other names: short protein forms D23N.
Identifiers: ClinVar variation 1495305 (VCV001495305.8), dbSNP rs2080670686, ClinGen allele CA402943442.

ClinVar aggregate classification (germline): Uncertain significance (1 of 4 stars; one submission).

Conditions:
Peutz-Jeghers syndrome (PJS). Also called: POLYPOSIS, HAMARTOMATOUS INTESTINAL; POLYPS-AND-SPOTS SYNDROME; Peutz-Jeghers polyposis; Periorificial lentiginosis syndrome. Identifiers: Orphanet 2869, MedGen C0031269, MeSH D010580, MONDO:0008280, OMIM 175200.

Submission:

Labcorp Genetics (formerly Invitae), Labcorp
Classification: Uncertain significance for Peutz-Jeghers syndrome. Last evaluated: 2021-05-31. Review status: criteria provided, single submitter. Criteria: Invitae Variant Classification Sherloc (09022015). Collection method: clinical testing. Allele origin: germline.
Comment: In summary, the available evidence is currently insufficient to determine the role of this variant in disease. Therefore, it has been classified as a Variant of Uncertain Significance. Algorithms developed to predict the effect of missense changes on protein structure and function are either unavailable or do not agree on the potential impact of this missense change (SIFT: "Tolerated"; PolyPhen-2: "Probably Damaging"; Align-GVGD: "Class C0"). This variant has not been reported in the literature in individuals with STK11-related conditions. This variant is not present in population databases (ExAC no frequency). This sequence change replaces aspartic acid with asparagine at codon 23 of the STK11 protein (p.Asp23Asn). The aspartic acid residue is highly conserved and there is a small physicochemical difference between aspartic acid and asparagine.